The following is an entry in ClinVar:

ClinVar aggregate classification (germline): Uncertain significance. Review status: criteria provided, multiple submitters, no conflicts (2 of 4 stars). 3 submissions from 2 submitters: Uncertain significance (3). Last evaluated 2021-08-09.

Conditions:
Mandibuloacral dysplasia with type B lipodystrophy (MADB). Also called: LIPODYSTROPHY, TYPE B, ASSOCIATED WITH MANDIBULOACRAL DYSPLASIA. Identifiers: Orphanet 2457, Orphanet 90154, MedGen C1837756, MONDO:0012074, OMIM 608612.
Lethal tight skin contracture syndrome. Also called: RESTRICTIVE DERMOPATHY, LETHAL; FETAL HYPOKINESIA SEQUENCE DUE TO RESTRICTIVE DERMOPATHY; HYPERKERATOSIS-CONTRACTURE SYNDROME; Restrictive dermopathy. Identifiers: Orphanet 1662, MedGen C0406585, MONDO:0031213.

Allele frequency attached by ClinVar (database versions not stated): gnomAD exomes 0.00001 and 0.00005; TOPMed 0.00003.
gnomAD v4.1: 75 of 1,613,414 alleles (0.0046%); highest among the groups gnomAD compares: Non-Finnish European, 0.0061%; no homozygotes.

Submissions (3):

Labcorp Genetics (formerly Invitae), Labcorp
Classification: Uncertain significance. Last evaluated: 2021-08-09. Review status: criteria provided, single submitter. Criteria: Invitae Variant Classification Sherloc (09022015). Collection method: clinical testing. Allele origin: germline.
Comment: This sequence change replaces glutamic acid with lysine at codon 239 of the ZMPSTE24 protein (p.Glu239Lys). There is a small physicochemical difference between glutamic acid and lysine. This variant is not present in population databases (ExAC no frequency). This variant has not been reported in the literature in individuals affected with ZMPSTE24-related conditions. ClinVar contains an entry for this variant (Variation ID: 874177). Algorithms developed to predict the effect of missense changes on protein structure and function are either unavailable or do not agree on the potential impact of this missense change (SIFT: "Not Available"; PolyPhen-2: "Benign"; Align-GVGD: "Not Available"). In summary, the available evidence is currently insufficient to determine the role of this variant in disease. Therefore, it has been classified as a Variant of Uncertain Significance.

Illumina Laboratory Services, Illumina
Classification: Uncertain significance for Restrictive dermopathy 1. Last evaluated: 2017-04-27. Review status: criteria provided, single submitter. Criteria: ICSL Variant Classification Criteria 13 December 2019. Collection method: clinical testing. Allele origin: germline.
Comment: This variant was observed as part of a predisposition screen in an ostensibly healthy population. A literature search was performed for the gene, cDNA change, and amino acid change (where applicable). Publications were found based on this search. However, the evidence from the literature, in combination with allele frequency data from public databases where available, was not sufficient to rule this variant in or out of causing disease. Therefore, this variant is classified as a variant of unknown significance.

Illumina Laboratory Services, Illumina
Classification: Uncertain significance for Mandibuloacral dysplasia with type B lipodystrophy. Last evaluated: 2017-04-27. Review status: criteria provided, single submitter. Criteria: ICSL Variant Classification Criteria 13 December 2019. Collection method: clinical testing. Allele origin: germline.

Literature cited by the submitters: PubMed 19504603 (cited by Illumina Laboratory Services, Illumina).

NM_005857.5(ZMPSTE24):c.715G>A (p.Glu239Lys)

Gene: ZMPSTE24 (zinc metallopeptidase STE24; plus strand). Cytogenetic location: 1p34.2.
Variant type: single nucleotide variant.
Coding change: c.715G>A on transcript NM_005857.5 (MANE Select); coding-DNA position 715, G replaced by A.
Protein change: p.Glu239Lys; replaces glutamic acid 239 with lysine.
Molecular consequence: missense variant.
Genome position (GRCh38, 1-based): chr1:40,271,981, G>A. VCF-style: chr1-40271981-G-A. GRCh37 (hg19) VCF-style: chr1-40737653-G-A.
Other names: short protein forms E239K.
Identifiers: ClinVar variation 874177 (VCV000874177.5), dbSNP rs267607181, ClinGen allele CA21037693.